The following is an entry in ClinVar:

ClinVar aggregate classification (germline): Uncertain significance. Review status: criteria provided, multiple submitters, no conflicts (2 of 4 stars). 2 submissions from 2 submitters: Uncertain significance (2). Last evaluated 2025-10-29.

gnomAD v4.1: 108 of 1,614,120 alleles (0.0067%); highest among the groups gnomAD compares: African/African-American, 0.13%; no homozygotes.

Submissions (2):

Ambry Genetics
Classification: Uncertain significance. Last evaluated: 2025-10-29. Review status: criteria provided, single submitter. Criteria: Ambry Variant Classification Scheme 2023. Collection method: clinical testing. Allele origin: germline.

Labcorp Genetics (formerly Invitae), Labcorp
Classification: Uncertain significance. Last evaluated: 2025-08-17. Review status: criteria provided, single submitter. Criteria: Invitae Variant Classification Sherloc (09022015). Collection method: clinical testing. Allele origin: germline.
Comment: This sequence change replaces arginine, which is basic and polar, with glycine, which is neutral and non-polar, at codon 504 of the KLB protein (p.Arg504Gly). This variant is present in population databases (rs141653486, gnomAD 0.1%), and has an allele count higher than expected for a pathogenic variant. This variant has not been reported in the literature in individuals affected with KLB-related conditions. Invitae Evidence Modeling of protein sequence and biophysical properties (such as structural, functional, and spatial information, amino acid conservation, physicochemical variation, residue mobility, and thermodynamic stability) indicates that this missense variant is not expected to disrupt KLB protein function with a negative predictive value of 80%. In summary, the available evidence is currently insufficient to determine the role of this variant in disease. Therefore, it has been classified as a Variant of Uncertain Significance.

NM_175737.4(KLB):c.1510C>G (p.Arg504Gly)

Gene: KLB (klotho beta; plus strand). Cytogenetic location: 4p14.
Variant type: single nucleotide variant.
Coding change: c.1510C>G on transcript NM_175737.4 (MANE Select); coding-DNA position 1510, C replaced by G.
Protein change: p.Arg504Gly; replaces arginine 504 with glycine.
Molecular consequence: missense variant.
Genome position (GRCh38, 1-based): chr4:39,437,900, C>G. VCF-style: chr4-39437900-C-G. GRCh37 (hg19) VCF-style: chr4-39439520-C-G.
Other names: short protein forms R504G.
Identifiers: ClinVar variation 4544191 (VCV004544191.2).